The following is an entry in ClinVar:

NM_001318852.2(MAPK8IP3):c.1334T>C (p.Leu445Pro)

Gene: MAPK8IP3 (mitogen-activated protein kinase 8 interacting protein 3; plus strand). Cytogenetic location: 16p13.3.
Variant type: single nucleotide variant.
Coding change: c.1334T>C on transcript NM_001318852.2 (MANE Select); coding-DNA position 1334, T replaced by C.
Protein change: p.Leu445Pro; replaces leucine 445 with proline.
Molecular consequence: missense variant.
Genome position (GRCh38, 1-based): chr16:1,760,409, T>C. VCF-style: chr16-1760409-T-C. GRCh37 (hg19) VCF-style: chr16-1810410-T-C.
Other names: c.1313T>C, p.Leu438Pro (NM_001040439.2); c.1331T>C, p.Leu444Pro (NM_015133.5); short protein forms L444P, L438P, L445P.
Identifiers: ClinVar variation 632563 (VCV000632563.4), dbSNP rs1567198751, ClinGen allele CA394231241.
Genomic context (GRCh38, chr16:1,760,409, plus strand): 5'-GTGGCACTCCCATCTTTCTGCTTTTTCAAAGAAACGCCTTGAATGTGGTGAAGAATGACC[T>C]GATTGCCAAGGTCGACCAGCTGTCCGGGGAGCAGGAGGTGCTGAGGGGCGAGTTGGAGGC-3'
Protein context (NP_001305781.1, residues 435-455): KNALNVVKND[Leu445Pro]IAKVDQLSGE

ClinVar aggregate classification (germline): Likely pathogenic. Review status: criteria provided, multiple submitters, no conflicts (2 of 4 stars). 4 submissions from 4 submitters: Likely pathogenic (3). 1 of the submissions does not count toward it. Last evaluated 2019-10-02.

Conditions:
Neurodevelopmental disorder with or without variable brain abnormalities; NEDBA. Also called: NEURODEVELOPMENTAL DISORDER WITH OR WITHOUT VARIABLE BRAIN ABNORMALITIES. Identifiers: MedGen C5193102, MONDO:0032755, OMIM 618443.

Submissions (4):

SIB Swiss Institute of Bioinformatics
Classification: Likely pathogenic for Neurodevelopmental disorder with or without variable brain abnormalities; NEDBA. Last evaluated: 2019-10-02. Review status: criteria provided, single submitter. Criteria: ACMG Guidelines, 2015. Collection method: curation. Allele origin: unknown.
Comment: This variant is interpreted as a Likely pathogenic for Neurodevelopmental disorder with or without variable brain abnormalities, autosomal dominant. The following ACMG Tag(s) were applied: PM2, PP3, PS3-Moderate, PM6-Supporting.

Institute of Human Genetics, University of Leipzig Medical Center
Classification: Likely pathogenic for Neurodevelopmental disorder with or without variable brain abnormalities; NEDBA. Last evaluated: 2019-02-07. Review status: criteria provided, single submitter. Criteria: ACMG Guidelines, 2015. Collection method: clinical testing. Allele origin: de novo. Affected: yes.
Comment: This variant was identified as de novo (maternity and paternity confirmed).

Juno Genomics, Hangzhou Juno Genomics, Inc
Classification: Likely pathogenic for Neurodevelopmental disorder with or without variable brain abnormalities; NEDBA. Review status: criteria provided, single submitter. Criteria: ACMG Guidelines, 2015. Collection method: clinical testing. Allele origin: germline. Affected: yes.
Comment: Absent from controls (or at extremely low frequency if recessive) in Genome Aggregation Database.;Multiple lines of computational evidence support a deleterious effect on the gene or gene product.;Missense variant in a gene that has a low rate of benign missense variation.;The prevalence of the variant in affected individuals is significantly increased compared to the prevalence in controls.;Assumed de novo, but without confirmation of paternity and maternity.

OMIM
Classification: Pathogenic for NEURODEVELOPMENTAL DISORDER WITH VARIABLE BRAIN ABNORMALITIES. Last evaluated: 2019-05-23. Review status: no assertion criteria provided. Collection method: literature only. Allele origin: germline. Not counted in ClinVar's aggregate classification.

Literature cited by the submitters: PubMed 30612693 (cited by 3 submitters).